The following is an entry in ClinVar:

NM_004370.6(COL12A1):c.7261A>G (p.Met2421Val)

Genes: COL12A1 (collagen type XII alpha 1 chain; minus strand), LOC126859712 (MED14-independent group 3 enhancer GRCh37_chr6:75828643-75829842; plus strand). Cytogenetic location: 6q13.
Variant type: single nucleotide variant.
Coding change: c.7261A>G on transcript NM_004370.6 (MANE Select); coding-DNA position 7261, A replaced by G.
Protein change: p.Met2421Val; replaces methionine 2421 with valine.
Molecular consequence: missense variant.
Genome position (GRCh38, 1-based): chr6:75,119,136, T>C on the plus strand (A>G on the coding strand, the complement: COL12A1 is on the minus strand). VCF-style: chr6-75119136-T-C. GRCh37 (hg19) VCF-style: chr6-75828852-T-C.
Other names: c.3769A>G, p.Met1257Val (NM_080645.3); short protein forms M1257V, M2421V.
Identifiers: ClinVar variation 1333916 (VCV001333916.2), dbSNP rs910431488, ClinGen allele CA364747916.
Genomic context (GRCh38, chr6:75,119,136, plus strand): 5'-CCTCATCCTGGGACCGACCGTCCGTGACCACAACCAACACCTTAGGGACATTCTTCCTCA[T>C]GCCGCTCTCCCAAGTCAAGACTTTCTCCTTGATAAACGTGAGGGCCTTGCCTACAGAATG-3'
Protein context (NP_004361.3, residues 2411-2431): KEKVLTWESG[Met2421Val]RKNVPKVLVV

ClinVar aggregate classification (germline): Uncertain significance. Review status: criteria provided, multiple submitters, no conflicts (2 of 4 stars). 2 submissions from 2 submitters: Uncertain significance (2). Last evaluated 2025-07-22.

Conditions:
Ullrich congenital muscular dystrophy 2 (UCMD2). Identifiers: Orphanet 75840, MedGen C4225314, MONDO:0014654, OMIM 616470.
Bethlem myopathy 2 (BTHLM2). Identifiers: Orphanet 536516, Orphanet 610, MedGen C4225313, MONDO:0034022, OMIM 616471.

gnomAD v4.1: 9 of 1,613,986 alleles (0.00056%); highest among the groups gnomAD compares: Non-Finnish European, 0.00068%; no homozygotes.

Submissions (2):

Labcorp Genetics (formerly Invitae), Labcorp
Classification: Uncertain significance for Bethlem myopathy 2; Ullrich congenital muscular dystrophy 2. Last evaluated: 2025-07-22. Review status: criteria provided, single submitter. Criteria: Invitae Variant Classification Sherloc (09022015). Collection method: clinical testing. Allele origin: germline.
Comment: This sequence change replaces methionine, which is neutral and non-polar, with valine, which is neutral and non-polar, at codon 2421 of the COL12A1 protein (p.Met2421Val). This variant is present in population databases (no rsID available, gnomAD 0.0009%). This variant has not been reported in the literature in individuals affected with COL12A1-related conditions. ClinVar contains an entry for this variant (Variation ID: 1333916). Invitae Evidence Modeling of protein sequence and biophysical properties (such as structural, functional, and spatial information, amino acid conservation, physicochemical variation, residue mobility, and thermodynamic stability) indicates that this missense variant is not expected to disrupt COL12A1 protein function with a negative predictive value of 80%. In summary, the available evidence is currently insufficient to determine the role of this variant in disease. Therefore, it has been classified as a Variant of Uncertain Significance.

CENTOGENE GmbH and LLC - Guiding Precision Medicine
Classification: Uncertain significance for Bethlem myopathy 2. Last evaluated: 2019-05-28. Review status: criteria provided, single submitter. Criteria: ACMG Guidelines, 2015. Collection method: clinical testing. Allele origin: germline.